The following is an entry in ClinVar:

ClinVar aggregate classification (germline): Uncertain significance (1 of 4 stars; one submission).

Conditions:
Early-infantile DEE. Also called: Ohtahara syndrome; Early infantile epileptic encephalopathy; Early infantile epileptic encephalopathy with suppression bursts. Identifiers: Orphanet 1934, MedGen C0393706, MONDO:0800491.

Submission:

Labcorp Genetics (formerly Invitae), Labcorp
Classification: Uncertain significance for Early-infantile DEE. Last evaluated: 2022-02-04. Review status: criteria provided, single submitter. Criteria: Invitae Variant Classification Sherloc (09022015). Collection method: clinical testing. Allele origin: germline.
Comment: In summary, the available evidence is currently insufficient to determine the role of this variant in disease. Therefore, it has been classified as a Variant of Uncertain Significance. Algorithms developed to predict the effect of missense changes on protein structure and function are either unavailable or do not agree on the potential impact of this missense change (SIFT: "Deleterious"; PolyPhen-2: "Possibly Damaging"; Align-GVGD: "Class C0"). This variant has not been reported in the literature in individuals affected with CACNA2D2-related conditions. This variant is not present in population databases (gnomAD no frequency). This sequence change replaces phenylalanine, which is neutral and non-polar, with cysteine, which is neutral and slightly polar, at codon 1035 of the CACNA2D2 protein (p.Phe1035Cys).

NM_006030.4(CACNA2D2):c.3104T>G (p.Phe1035Cys)

Genes: CACNA2D2 (calcium voltage-gated channel auxiliary subunit alpha2delta 2; minus strand), LOC127898564 (CYB561D2-LOC101928965; plus strand). Cytogenetic location: 3p21.31.
Variant type: single nucleotide variant.
Coding change: c.3104T>G on transcript NM_006030.4 (MANE Select); coding-DNA position 3104, T replaced by G.
Protein change: p.Phe1035Cys; replaces phenylalanine 1035 with cysteine.
Molecular consequence: missense variant.
Genome position (GRCh38, 1-based): chr3:50,365,179, A>C on the plus strand (T>G on the coding strand, the complement: CACNA2D2 is on the minus strand). VCF-style: chr3-50365179-A-C. GRCh37 (hg19) VCF-style: chr3-50402610-A-C.
Other names: c.3104T>G, p.Phe1035Cys (NM_001005505.3); c.3125T>G, p.Phe1042Cys (NM_001174051.3); c.2897T>G, p.Phe966Cys (NM_001291101.1); short protein forms F1035C, F966C, F1042C.
Identifiers: ClinVar variation 1497212 (VCV001497212.9), dbSNP rs2109397052, ClinGen allele CA352900806.